The following is an entry in ClinVar:

NM_001382.4(DPAGT1):c.1099C>G (p.Leu367Val)

Gene: DPAGT1 (dolichyl-phosphate N-acetylglucosaminephosphotransferase 1; minus strand). Cytogenetic location: 11q23.3.
Variant type: single nucleotide variant.
Coding change: c.1099C>G on transcript NM_001382.4 (MANE Select); coding-DNA position 1099, C replaced by G.
Protein change: p.Leu367Val; replaces leucine 367 with valine.
Molecular consequence: missense variant.
Genome position (GRCh38, 1-based): chr11:119,097,204, G>C on the plus strand (C>G on the coding strand, the complement: DPAGT1 is on the minus strand). VCF-style: chr11-119097204-G-C. GRCh37 (hg19) VCF-style: chr11-118967914-G-C.
Other names: short protein forms L367V.
Identifiers: ClinVar variation 942896 (VCV000942896.9), dbSNP rs980077282, ClinGen allele CA229601952.
Genomic context (GRCh38, chr11:119,097,204, plus strand): 5'-GCAGCAGCAGCAGGAGCAATGTGAGGTTTCTCTCATGTATGGGCCCAAGGACTTTAAGTA[G>C]CAAGTTGATGAGGGTCATGTTGTTACATTCAGTGAATTCACCATCTTCAGTCTCACTCTG-3'
Protein context (NP_001373.2, residues 357-377): ECNNMTLINL[Leu367Val]LKVLGPIHER

ClinVar aggregate classification (germline): Uncertain significance (1 of 4 stars; one submission).

Conditions:
DPAGT1-congenital disorder of glycosylation. Also called: DPAGT1-CDG; CONGENITAL DISORDER OF GLYCOSYLATION, TYPE Ij; CDG Ij. Identifiers: Orphanet 86309, MedGen C2931004, MONDO:0011964, OMIM 608093.
Congenital myasthenic syndrome 13 (CMS13). Also called: Myasthenic syndrome, congenital, 13, with tubular aggregates; Myasthenic syndrome, congenital, with tubular aggregates 2. Identifiers: Orphanet 353327, Orphanet 590, MedGen C3553645, MONDO:0013883, OMIM 614750.

Allele frequency attached by ClinVar (database versions not stated): TOPMed below 0.00001; gnomAD exomes below 0.00001.
gnomAD v4.1: 1 of 1,614,210 alleles (0.000062%); highest among the groups gnomAD compares: Non-Finnish European, 0.000085%; no homozygotes.

Submission:

Labcorp Genetics (formerly Invitae), Labcorp
Classification: Uncertain significance for Congenital myasthenic syndrome 13; DPAGT1-congenital disorder of glycosylation. Last evaluated: 2019-08-22. Review status: criteria provided, single submitter. Criteria: Invitae Variant Classification Sherloc (09022015). Collection method: clinical testing. Allele origin: germline.
Comment: Algorithms developed to predict the effect of missense changes on protein structure and function (SIFT, PolyPhen-2, Align-GVGD) all suggest that this variant is likely to be tolerated, but these predictions have not been confirmed by published functional studies and their clinical significance is uncertain. This variant has not been reported in the literature in individuals with DPAGT1-related conditions. This variant is not present in population databases (ExAC no frequency). This sequence change replaces leucine with valine at codon 367 of the DPAGT1 protein (p.Leu367Val). The leucine residue is weakly conserved and there is a small physicochemical difference between leucine and valine. Algorithms developed to predict the effect of sequence changes on RNA splicing suggest that this variant may create or strengthen a splice site, but this prediction has not been confirmed by published transcriptional studies. In summary, the available evidence is currently insufficient to determine the role of this variant in disease. Therefore, it has been classified as a Variant of Uncertain Significance.